The following is an entry in ClinVar:

NM_001370466.1(NOD2):c.1211C>T (p.Ser404Leu)

Gene: NOD2 (nucleotide binding oligomerization domain containing 2; plus strand). Cytogenetic location: 16q12.1.
Variant type: single nucleotide variant.
Coding change: c.1211C>T on transcript NM_001370466.1 (MANE Select); coding-DNA position 1211, C replaced by T.
Protein change: p.Ser404Leu; replaces serine 404 with leucine.
Molecular consequence: missense variant. On other transcripts: non-coding transcript variant (1).
Genome position (GRCh38, 1-based): chr16:50,711,203, C>T. VCF-style: chr16-50711203-C-T. GRCh37 (hg19) VCF-style: chr16-50745114-C-T.
Other names: c.1292C>T (LRG_177t1); c.1211C>T, p.Ser404Leu (NM_001293557.2); c.1292C>T, p.Ser431Leu (NM_022162.3); short protein forms S431L, S404L.
Identifiers: ClinVar variation 97826 (VCV000097826.65), dbSNP rs104895431, ClinGen allele CA150190.
Genomic context (GRCh38, chr16:50,711,203, plus strand): 5'-TGCAGGGCAACCTGCTGAAGAATGCCCGCAAGGTGGTGACCAGCCGTCCGGCCGCTGTGT[C>T]GGCGTTCCTCAGGAAGTACATCCGCACCGAGTTCAACCTCAAGGGCTTCTCTGAACAGGG-3'
Protein context (NP_001357395.1, residues 394-414): KVVTSRPAAV[Ser404Leu]AFLRKYIRTE

ClinVar aggregate classification (germline): Conflicting classifications of pathogenicity. Review status: criteria provided, conflicting classifications (1 of 4 stars). 11 submissions from 10 submitters: Uncertain significance (2); Benign (1); Likely benign (7). 1 of the submissions does not count toward it. Last evaluated 2026-03-02.

Conditions:
NOD2-related disorder. Also called: NOD2-related condition.
Inflammatory bowel disease 1 (IBD1). Also called: Inflammatory bowel disease 1, Crohn disease; INFLAMMATORY BOWEL DISEASE (CROHN DISEASE) 1. Identifiers: MedGen CN260071, MONDO:0009960, OMIM 266600.
Autoinflammatory syndrome. Identifiers: Orphanet 93665, MedGen C3890737, MONDO:0019751.
Blau syndrome (BLAUS). Also called: GRANULOMATOSIS, FAMILIAL JUVENILE SYSTEMIC; GRANULOMATOSIS, FAMILIAL, BLAU TYPE; GRANULOMATOUS INFLAMMATORY ARTHRITIS, DERMATITIS, AND UVEITIS, FAMILIAL; JABS SYNDROME; ARTHROCUTANEOUVEAL GRANULOMATOSIS. Identifiers: Orphanet 90340, MedGen C5201146, MONDO:0008523, OMIM 186580.
Regional enteritis. Also called: Enteritis, Granulomatous. Identifiers: MedGen C0678202, MeSH D003424.

Allele frequency attached by ClinVar (database versions not stated): ExAC 0.00083; gnomAD exomes 0.00097; gnomAD 0.00100 and 0.00103; TOPMed 0.00102; ESP Exome Variant Server 0.00108; 1000 Genomes Project 30x 0.00016; 1000 Genomes Project 0.00020.
gnomAD v4.1: 2,196 of 1,614,046 alleles (0.14%); highest among the groups gnomAD compares: Non-Finnish European, 0.17%; 9 homozygotes.

Submissions (11):

PreventionGenetics, part of Exact Sciences
Classification: Uncertain significance for NOD2-related condition. Last evaluated: 2026-03-02. Review status: criteria provided, single submitter. Criteria: ACMG Guidelines, 2015. Collection method: clinical testing. Allele origin: germline.
Comment: The NOD2 c.1292C>T variant is predicted to result in the amino acid substitution p.Ser431Leu. This variant has been reported in individuals with inflammatory bowel disease or Crohn’s disease (Lesage et al. 2002. PubMed ID: 11875755; Rivas et al. 2011. PubMed ID: 21983784). Of note, this variant was also reported in patients with childhood onset inflammatory bowel disease (pIBD) (Andreoletti et al. 2017. PubMed ID: 28422189; Chen et al. 2018. PubMed ID: 30166421). This variant was also reported in the presence of additional NOD2 variants [c.2377G>A (p.Val793Met) and c.2798+158C>T] in at least two patients with NOD2-associated autoinflammatory disease (Yao et al. 2015. PubMed ID: 26070941). This variant was also reported in one individual in a study of patients with inherited retinal and optical nerve disorders (Table S12, Diñeiro et al. 2020. PubMed ID: 32483926) and was identified in an individual with orofacial granulomatosis (Mentzer et al. 2016. PubMed ID: 27306066). Functional studies showed that this variant altered NOD2 protein localization and function (Rivas et al. 2011. PubMed ID: 21983784). This variant is reported in 0.16% of alleles in individuals of European (Non-Finnish) descent in gnomAD, including two homozygous individuals and has conflicting interpretations regarding its pathogenicity in ClinVar, ranging from uncertain significance to likely benign to benign (Variation ID: 97826). However, at this time, the clinical significance of this variant is uncertain due to the absence of conclusive functional and genetic evidence.

Labcorp Genetics (formerly Invitae), Labcorp
Classification: Likely benign for Regional enteritis; Blau syndrome. Last evaluated: 2026-02-02. Review status: criteria provided, single submitter. Criteria: Invitae Variant Classification Sherloc (09022015). Collection method: clinical testing. Allele origin: germline.

CeGaT Center for Human Genetics Tuebingen
Classification: Likely benign. Last evaluated: 2026-02-01. Review status: criteria provided, single submitter. Criteria: CeGaT Center For Human Genetics Tuebingen Variant Classification Criteria Version 2. Collection method: clinical testing. Allele origin: germline. Affected: yes. Observed: 9 variant alleles.
Comment: NOD2: BP4, BS1

Women's Health and Genetics/Laboratory Corporation of America, LabCorp
Classification: Likely benign. Last evaluated: 2025-10-28. Review status: criteria provided, single submitter. Criteria: LabCorp Variant Classification Summary - May 2015. Collection method: clinical testing. Allele origin: germline.

Mayo Clinic Laboratories, Mayo Clinic
Classification: Likely benign. Last evaluated: 2025-10-15. Review status: criteria provided, single submitter. Criteria: ACMG Guidelines, 2015. Collection method: clinical testing. Allele origin: germline. Observed: 5 variant alleles.
Comment: BS1

Blueprint Genetics
Classification: Likely benign. Last evaluated: 2024-10-04. Review status: criteria provided, single submitter. Criteria: ACMG Guidelines, 2015. Collection method: clinical testing. Allele origin: germline.

ARUP Laboratories, Molecular Genetics and Genomics, ARUP Laboratories
Classification: Likely benign. Last evaluated: 2023-11-01. Review status: criteria provided, single submitter. Criteria: ARUP Molecular Germline Variant Investigation Process 2024. Collection method: clinical testing. Allele origin: germline.

Genome Diagnostics Laboratory, The Hospital for Sick Children
Classification: Likely benign for Autoinflammatory syndrome. Last evaluated: 2020-06-01. Review status: criteria provided, single submitter. Criteria: ACMG Guidelines, 2015. Collection method: clinical testing. Allele origin: germline. Affected: yes.

Illumina Laboratory Services, Illumina
Classification: Uncertain significance for Inflammatory bowel disease 1. Last evaluated: 2018-03-06. Review status: criteria provided, single submitter. Criteria: ICSL Variant Classification Criteria 13 December 2019. Collection method: clinical testing. Allele origin: germline.

Illumina Laboratory Services, Illumina
Classification: Benign for Blau syndrome. Last evaluated: 2018-03-06. Review status: criteria provided, single submitter. Criteria: ICSL Variant Classification Criteria 13 December 2019. Collection method: clinical testing. Allele origin: germline.
Comment: This variant was observed in the ICSL laboratory as part of a predisposition screen in an ostensibly healthy population. It had not been previously curated by ICSL or reported in the Human Gene Mutation Database (HGMD: prior to June 1st, 2018), and was therefore a candidate for classification through an automated scoring system. Utilizing variant allele frequency, disease prevalence and penetrance estimates, and inheritance mode, an automated score was calculated to assess if this variant is too frequent to cause the disease. Based on the score and internal cut-off values, a variant classified as benign is not then subjected to further curation. The score for this variant resulted in a classification of benign for this disease.

Unité médicale des maladies autoinflammatoires, CHRU Montpellier
No classification provided. Condition: Sarcoidosis, early-onset. Review status: no classification provided. Collection method: not provided. Allele origin: unknown. Not counted in ClinVar's aggregate classification.
Comment: also involved in OMIM 186580 and 266600

Literature cited by the submitters: PubMed 11875755 (cited by Mayo Clinic Laboratories, Mayo Clinic); PubMed 21983784 (cited by Mayo Clinic Laboratories, Mayo Clinic).